The following is an entry in ClinVar:

NM_017636.4(TRPM4):c.2896G>A (p.Val966Ile)

Gene: TRPM4 (transient receptor potential cation channel subfamily M member 4; plus strand). Cytogenetic location: 19q13.33.
Variant type: single nucleotide variant.
Coding change: c.2896G>A on transcript NM_017636.4 (MANE Select); coding-DNA position 2896, G replaced by A.
Protein change: p.Val966Ile; replaces valine 966 with isoleucine.
Molecular consequence: missense variant.
Genome position (GRCh38, 1-based): chr19:49,200,728, G>A. VCF-style: chr19-49200728-G-A. GRCh37 (hg19) VCF-style: chr19-49703985-G-A.
Other names: c.2896G>A (NM_017636.3); c.2461G>A, p.Val821Ile (NM_001195227.2); c.2551G>A, p.Val851Ile (NM_001321281.2); c.1288G>A, p.Val430Ile (NM_001321282.2); c.2374G>A, p.Val792Ile (NM_001321283.2); c.1834G>A, p.Val612Ile (NM_001321285.2); short protein forms V966I, V851I, V430I, V792I, V612I, V821I.
Identifiers: ClinVar variation 1379316 (VCV001379316.7), dbSNP rs1459184013, ClinGen allele CA406812057.

ClinVar aggregate classification (germline): Uncertain significance. Review status: criteria provided, multiple submitters, no conflicts (2 of 4 stars). 2 submissions from 2 submitters: Uncertain significance (2). Last evaluated 2025-05-04.

Conditions:
Cardiovascular phenotype. Identifiers: MedGen CN230736.
Progressive familial heart block type IB (PFHB1B). Identifiers: Orphanet 871, MedGen C1970298, MONDO:0011474, OMIM 604559.

Allele frequency attached by ClinVar (database versions not stated): gnomAD exomes below 0.00001.
gnomAD v4.1: 4 of 1,614,090 alleles (0.00025%); highest among the groups gnomAD compares: Non-Finnish European, 0.00025%; no homozygotes.

Submissions (2):

Ambry Genetics
Classification: Uncertain significance for Cardiovascular phenotype. Last evaluated: 2025-05-04. Review status: criteria provided, single submitter. Criteria: Ambry Variant Classification Scheme 2023. Collection method: clinical testing. Allele origin: germline.

Labcorp Genetics (formerly Invitae), Labcorp
Classification: Uncertain significance for Progressive familial heart block type IB. Last evaluated: 2021-08-13. Review status: criteria provided, single submitter. Criteria: Invitae Variant Classification Sherloc (09022015). Collection method: clinical testing. Allele origin: germline.
Comment: In summary, the available evidence is currently insufficient to determine the role of this variant in disease. Therefore, it has been classified as a Variant of Uncertain Significance. Algorithms developed to predict the effect of missense changes on protein structure and function are either unavailable or do not agree on the potential impact of this missense change (SIFT: "Tolerated"; PolyPhen-2: "Probably Damaging"; Align-GVGD: "Class C0"). This variant has not been reported in the literature in individuals affected with TRPM4-related conditions. This variant is not present in population databases (ExAC no frequency). This sequence change replaces valine with isoleucine at codon 966 of the TRPM4 protein (p.Val966Ile). The valine residue is highly conserved and there is a small physicochemical difference between valine and isoleucine.